The following is an entry in ClinVar:

ClinVar aggregate classification (germline): Uncertain significance (1 of 4 stars; one submission).

gnomAD v4.1: 15 of 1,613,874 alleles (0.00093%); highest among the groups gnomAD compares: Non-Finnish European, 0.0012%; no homozygotes.

Submission:

Labcorp Genetics (formerly Invitae), Labcorp
Classification: Uncertain significance. Last evaluated: 2022-07-04. Review status: criteria provided, single submitter. Criteria: Invitae Variant Classification Sherloc (09022015). Collection method: clinical testing. Allele origin: germline.
Comment: This variant has not been reported in the literature in individuals affected with LRRK1-related conditions. In summary, the available evidence is currently insufficient to determine the role of this variant in disease. Therefore, it has been classified as a Variant of Uncertain Significance. Algorithms developed to predict the effect of missense changes on protein structure and function are either unavailable or do not agree on the potential impact of this missense change (SIFT: "Deleterious"; PolyPhen-2: "Probably Damaging"; Align-GVGD: "Class C0"). This variant is present in population databases (no rsID available, gnomAD 0.002%). This sequence change replaces valine, which is neutral and non-polar, with methionine, which is neutral and non-polar, at codon 1163 of the LRRK1 protein (p.Val1163Met).

NM_024652.6(LRRK1):c.3487G>A (p.Val1163Met)

Genes: LRRK1 (leucine rich repeat kinase 1; plus strand), LRRK1-AS1 (LRRK1 antisense RNA 1; minus strand). Cytogenetic location: 15q26.3.
Variant type: single nucleotide variant.
Coding change: c.3487G>A on transcript NM_024652.6 (MANE Select); coding-DNA position 3487, G replaced by A.
Protein change: p.Val1163Met; replaces valine 1163 with methionine.
Molecular consequence: missense variant.
Genome position (GRCh38, 1-based): chr15:101,051,758, G>A. VCF-style: chr15-101051758-G-A. GRCh37 (hg19) VCF-style: chr15-101591963-G-A.
Other names: short protein forms V1163M.
Identifiers: ClinVar variation 2103267 (VCV002103267.4), dbSNP rs761113327, ClinGen allele CA393952491.